The following is an entry in ClinVar:

NM_145046.5(CALR3):c.325T>C (p.Tyr109His)

Gene: CALR3 (calreticulin 3; minus strand). Cytogenetic location: 19p13.11.
Variant type: single nucleotide variant.
Coding change: c.325T>C on transcript NM_145046.5 (MANE Select); coding-DNA position 325, T replaced by C.
Protein change: p.Tyr109His; replaces tyrosine 109 with histidine.
Molecular consequence: missense variant.
Genome position (GRCh38, 1-based): chr19:16,490,439, A>G on the plus strand (T>C on the coding strand, the complement: CALR3 is on the minus strand). VCF-style: chr19-16490439-A-G. GRCh37 (hg19) VCF-style: chr19-16601250-A-G.
Other names: short protein forms Y109H.
Identifiers: ClinVar variation 4765989 (VCV004765989.1).

ClinVar aggregate classification (germline): Uncertain significance (1 of 4 stars; one submission).

Conditions:
Hypertrophic cardiomyopathy 19. Also called: Familial hypertrophic cardiomyopathy 19. Identifiers: MedGen CN077603, MONDO:0013476.

gnomAD v4.1: 2 of 1,614,176 alleles (0.00012%); highest among the groups gnomAD compares: African/African-American, 0.0013%; no homozygotes.

Submission:

Labcorp Genetics (formerly Invitae), Labcorp
Classification: Uncertain significance for Hypertrophic cardiomyopathy 19. Last evaluated: 2025-08-24. Review status: criteria provided, single submitter. Criteria: Invitae Variant Classification Sherloc (09022015). Collection method: clinical testing. Allele origin: germline.
Comment: This sequence change replaces tyrosine, which is neutral and polar, with histidine, which is basic and polar, at codon 109 of the CALR3 protein (p.Tyr109His). This variant is not present in population databases (gnomAD no frequency). This variant has not been reported in the literature in individuals affected with CALR3-related conditions. Invitae Evidence Modeling of protein sequence and biophysical properties (such as structural, functional, and spatial information, amino acid conservation, physicochemical variation, residue mobility, and thermodynamic stability) has been performed for this missense variant. However, the output from this modeling did not meet the statistical confidence thresholds required to predict the impact of this variant on CALR3 protein function. In summary, the available evidence is currently insufficient to determine the role of this variant in disease. Therefore, it has been classified as a Variant of Uncertain Significance.